The following is an entry in ClinVar:

ClinVar aggregate classification (germline): Likely benign (1 of 4 stars; one submission).

Conditions:
EYS-related disorder. Also called: EYS-related condition.

Submission:

PreventionGenetics, part of Exact Sciences
Classification: Likely benign for EYS-related condition. Last evaluated: 2025-09-21. Review status: criteria provided, single submitter. Criteria: ACMG Guidelines, 2015. Collection method: clinical testing. Allele origin: germline.
Comment: This variant is classified as likely benign based on ACMG/AMP sequence variant interpretation guidelines (Richards et al. 2015 PMID: 25741868, with internal and published modifications).

NC_000006.12:g.65707233C>G

Gene: EYS (EGF-like photoreceptor maintenance factor; minus strand). Cytogenetic location: 6q12.
Variant type: single nucleotide variant.
Genome position: GRCh38 VCF-style: chr6-65707233-C-G. GRCh37 (hg19) VCF-style: chr6-66417126-C-G.
Identifiers: ClinVar variation 4983280 (VCV004983280.1).